The following is an entry in ClinVar:

NM_001378030.1(CCDC78):c.691C>T (p.Arg231Trp)

Gene: CCDC78 (coiled-coil domain containing 78; minus strand). Cytogenetic location: 16p13.3.
Variant type: single nucleotide variant.
Coding change: c.691C>T on transcript NM_001378030.1 (MANE Select); coding-DNA position 691, C replaced by T.
Protein change: p.Arg231Trp; replaces arginine 231 with tryptophan.
Molecular consequence: missense variant. On other transcripts: non-coding transcript variant (5), intron variant (1).
Genome position (GRCh38, 1-based): chr16:724,755, G>A on the plus strand (C>T on the coding strand, the complement: CCDC78 is on the minus strand). VCF-style: chr16-724755-G-A. GRCh37 (hg19) VCF-style: chr16-774755-G-A.
Other names: c.691C>T, p.Arg231Trp (NM_001031737.3, NM_001378031.1); c.199-246C>T (NM_001378033.1); short protein forms R231W.
Identifiers: ClinVar variation 2321682 (VCV002321682.6), dbSNP rs527479144, ClinGen allele CA394101410.
Genomic context (GRCh38, chr16:724,755, plus strand): 5'-CGCAGTGTTGCAGCCGTAGGACGTACTCATCCTTCAGTTTCTTGAGCTGCAGCTGCAGCC[G>A]GGCATTTTCAGCCTCTGCCTGACGGAGCTGGCCTTGGCAGCTGCACAGCACCTGGGGTGG-3'
Protein context (NP_001364959.1, residues 221-241): QLRQAEAENA[Arg231Trp]LQLQLKKLKD

ClinVar aggregate classification (germline): Uncertain significance. Review status: criteria provided, multiple submitters, no conflicts (2 of 4 stars). 2 submissions from 2 submitters: Uncertain significance (2). Last evaluated 2025-09-27.

Conditions:
Inborn genetic diseases. Identifiers: MedGen C0950123, MeSH D030342.
Congenital myopathy with internal nuclei and atypical cores. Also called: Myopathy, centronuclear, 4. Identifiers: Orphanet 319160, MedGen C4707232, MONDO:0013890, OMIM 614807.

gnomAD v4.1: 24 of 1,612,094 alleles (0.0015%); highest among the groups gnomAD compares: Non-Finnish European, 0.0017%; no homozygotes.

Submissions (2):

Ambry Genetics
Classification: Uncertain significance for Inborn genetic diseases. Last evaluated: 2025-09-27. Review status: criteria provided, single submitter. Criteria: Ambry Variant Classification Scheme 2023. Collection method: clinical testing. Allele origin: germline.

Labcorp Genetics (formerly Invitae), Labcorp
Classification: Uncertain significance for Congenital myopathy with internal nuclei and atypical cores. Last evaluated: 2024-09-02. Review status: criteria provided, single submitter. Criteria: Invitae Variant Classification Sherloc (09022015). Collection method: clinical testing. Allele origin: germline.
Comment: This sequence change replaces arginine, which is basic and polar, with tryptophan, which is neutral and slightly polar, at codon 231 of the CCDC78 protein (p.Arg231Trp). This variant is present in population databases (no rsID available, gnomAD 0.003%). This variant has not been reported in the literature in individuals affected with CCDC78-related conditions. ClinVar contains an entry for this variant (Variation ID: 2321682). Invitae Evidence Modeling of protein sequence and biophysical properties (such as structural, functional, and spatial information, amino acid conservation, physicochemical variation, residue mobility, and thermodynamic stability) indicates that this missense variant is not expected to disrupt CCDC78 protein function with a negative predictive value of 80%. In summary, the available evidence is currently insufficient to determine the role of this variant in disease. Therefore, it has been classified as a Variant of Uncertain Significance.